The following is an entry in ClinVar:

ClinVar aggregate classification (germline): Conflicting classifications of pathogenicity. Review status: criteria provided, conflicting classifications (1 of 4 stars). 5 submissions from 4 submitters: Uncertain significance (2); Likely benign (2). 1 of the submissions does not count toward it. Last evaluated 2026-01-28.

Conditions:
LAMB2-related disorder. Also called: LAMB2-related condition.
LAMB2-related infantile-onset nephrotic syndrome. Also called: NEPHROTIC SYNDROME, TYPE 5, WITHOUT OCULAR ABNORMALITIES; NEPHROTIC SYNDROME, TYPE 5, WITH OCULAR ABNORMALITIES; Nephrotic Syndrome, type 5. Identifiers: Orphanet 306507, MedGen C3280113, MONDO:0013621, OMIM 614199.
Pierson syndrome. Also called: MICROCORIA-CONGENITAL NEPHROTIC SYNDROME. Identifiers: Orphanet 2670, MedGen C1836876, MONDO:0012184, OMIM 609049.

Allele frequency attached by ClinVar (database versions not stated): 1000 Genomes Project 30x 0.00016; 1000 Genomes Project 0.00020; gnomAD 0.00031; TOPMed 0.00033; gnomAD exomes 0.00038 and 0.00048; ESP Exome Variant Server 0.00054; ExAC 0.00064.
gnomAD v4.1: 599 of 1,614,096 alleles (0.037%); highest among the groups gnomAD compares: Non-Finnish European, 0.043%; no homozygotes.

Submissions (5):

Labcorp Genetics (formerly Invitae), Labcorp
Classification: Likely benign for LAMB2-related infantile-onset nephrotic syndrome; Pierson syndrome. Last evaluated: 2026-01-28. Review status: criteria provided, single submitter. Criteria: Invitae Variant Classification Sherloc (09022015). Collection method: clinical testing. Allele origin: germline.

Blueprint Genetics
Classification: Likely benign. Last evaluated: 2024-11-19. Review status: criteria provided, single submitter. Criteria: ACMG Guidelines, 2015. Collection method: clinical testing. Allele origin: germline.

Illumina Laboratory Services, Illumina
Classification: Uncertain significance for Pierson syndrome. Last evaluated: 2018-01-13. Review status: criteria provided, single submitter. Criteria: ICSL Variant Classification Criteria 13 December 2019. Collection method: clinical testing. Allele origin: germline.

Illumina Laboratory Services, Illumina
Classification: Uncertain significance for LAMB2-related infantile-onset nephrotic syndrome. Last evaluated: 2018-01-13. Review status: criteria provided, single submitter. Criteria: ICSL Variant Classification Criteria 13 December 2019. Collection method: clinical testing. Allele origin: germline.

PreventionGenetics, part of Exact Sciences
Classification: Likely benign for LAMB2-related condition. Last evaluated: 2022-12-19. Review status: no assertion criteria provided. Collection method: clinical testing. Allele origin: germline. Not counted in ClinVar's aggregate classification.
Comment: This variant is classified as likely benign based on ACMG/AMP sequence variant interpretation guidelines (Richards et al. 2015 PMID: 25741868, with internal and published modifications).

NM_002292.4(LAMB2):c.2922G>C (p.Gly974=)

Gene: LAMB2 (laminin subunit beta 2; minus strand). Cytogenetic location: 3p21.31.
Variant type: single nucleotide variant.
Coding change: c.2922G>C on transcript NM_002292.4 (MANE Select); coding-DNA position 2922, G replaced by C.
Protein change: p.Gly974=; no amino-acid change (glycine 974 retained).
Molecular consequence: synonymous variant.
Genome position (GRCh38, 1-based): chr3:49,124,888, C>G on the plus strand (G>C on the coding strand, the complement: LAMB2 is on the minus strand). VCF-style: chr3-49124888-C-G. GRCh37 (hg19) VCF-style: chr3-49162321-C-G.
Identifiers: ClinVar variation 345994 (VCV000345994.17), dbSNP rs145465720, ClinGen allele CA2394163.
Genomic context (GRCh38, chr3:49,124,888, plus strand): 5'-TGGGTCAATGTTCCCACTGCACTCACACAGTTGGCACCGGCCACCTGGCCTTGATGGGTC[C>G]CCAAAGTGCCCAGGGGCACAAGCTTCACATCGCAGCCCTGCCCACGGTTAAGAGGAAGCT-3'
Protein context (NP_002283.3, residues 964-984): RCEACAPGHF[Gly974=]DPSRPGGRCQ